The following is an entry in ClinVar:

NM_006904.7(PRKDC):c.856C>G (p.Leu286Val)

Gene: PRKDC (protein kinase, DNA-activated, catalytic subunit; minus strand). Cytogenetic location: 8q11.21.
Variant type: single nucleotide variant.
Coding change: c.856C>G on transcript NM_006904.7 (MANE Select); coding-DNA position 856, C replaced by G.
Protein change: p.Leu286Val; replaces leucine 286 with valine.
Molecular consequence: missense variant.
Genome position (GRCh38, 1-based): chr8:47,943,319, G>C on the plus strand (C>G on the coding strand, the complement: PRKDC is on the minus strand). VCF-style: chr8-47943319-G-C. GRCh37 (hg19) VCF-style: chr8-48855879-G-C.
Other names: c.856C>G, p.Leu286Val (NM_001081640.2); short protein forms L286V.
Identifiers: ClinVar variation 2449903 (VCV002449903.2), dbSNP rs1432083490, ClinGen allele CA371136223.

ClinVar aggregate classification (germline): Uncertain significance (1 of 4 stars; one submission).

Submission:

Ambry Genetics
Classification: Uncertain significance. Last evaluated: 2023-03-02. Review status: criteria provided, single submitter. Criteria: Ambry Variant Classification Scheme 2023. Collection method: clinical testing. Allele origin: germline.
Comment: The p.L286V variant (also known as c.856C>G), located in coding exon 10 of the PRKDC gene, results from a C to G substitution at nucleotide position 856. The leucine at codon 286 is replaced by valine, an amino acid with highly similar properties. This amino acid position is conserved. In addition, the in silico prediction for this alteration is inconclusive. Since supporting evidence is limited at this time, the clinical significance of this alteration remains unclear.